The following is an entry in ClinVar:

NM_018341.3(ERMARD):c.171G>C (p.Glu57Asp)

Gene: ERMARD (ER membrane associated RNA degradation; plus strand). Cytogenetic location: 6q27.
Variant type: single nucleotide variant.
Coding change: c.171G>C on transcript NM_018341.3 (MANE Select); coding-DNA position 171, G replaced by C.
Protein change: p.Glu57Asp; replaces glutamic acid 57 with aspartic acid.
Molecular consequence: missense variant. On other transcripts: intron variant (1).
Genome position (GRCh38, 1-based): chr6:169,754,028, G>C. VCF-style: chr6-169754028-G-C. GRCh37 (hg19) VCF-style: chr6-170154124-G-C.
Other names: c.171G>C (NM_018341.1); c.171G>C, p.Glu57Asp (NM_001278531.2, NM_001278533.2); c.-203-1255G>C (NM_001278532.2); short protein forms E57D.
Identifiers: ClinVar variation 388833 (VCV000388833.3), dbSNP rs187725532, ClinGen allele CA4105740.

ClinVar aggregate classification (germline): Conflicting classifications of pathogenicity. Review status: criteria provided, conflicting classifications (1 of 4 stars). 3 submissions from 3 submitters: Uncertain significance (2); Likely benign (1). Last evaluated 2025-10-23.

Allele frequency attached by ClinVar (database versions not stated): gnomAD exomes 0.00004; ExAC 0.00005; gnomAD 0.00019 and 0.00020; 1000 Genomes Project 30x 0.00031; 1000 Genomes Project 0.00040; TOPMed 0.00053.
gnomAD v4.1: 66 of 1,609,242 alleles (0.0041%); highest among the groups gnomAD compares: Middle Eastern, 0.25%; 1 homozygote.

Submissions (3):

Labcorp Genetics (formerly Invitae), Labcorp
Classification: Uncertain significance. Last evaluated: 2025-10-23. Review status: criteria provided, single submitter. Criteria: Invitae Variant Classification Sherloc (09022015). Collection method: clinical testing. Allele origin: germline.
Comment: This sequence change replaces glutamic acid, which is acidic and polar, with aspartic acid, which is acidic and polar, at codon 57 of the ERMARD protein (p.Glu57Asp). This variant is present in population databases (rs187725532, gnomAD 0.03%). This variant has not been reported in the literature in individuals affected with ERMARD-related conditions. ClinVar contains an entry for this variant (Variation ID: 388833). An algorithm developed to predict the effect of missense changes on protein structure and function outputs the following: PolyPhen-2: "Benign". The aspartic acid amino acid residue is found in multiple mammalian species, which suggests that this missense change does not adversely affect protein function. In summary, the available evidence is currently insufficient to determine the role of this variant in disease. Therefore, it has been classified as a Variant of Uncertain Significance.

Ambry Genetics
Classification: Uncertain significance. Last evaluated: 2025-08-21. Review status: criteria provided, single submitter. Criteria: Ambry Variant Classification Scheme 2023. Collection method: clinical testing. Allele origin: germline.

GeneDx
Classification: Likely benign. Last evaluated: 2017-11-29. Review status: criteria provided, single submitter. Criteria: GeneDx Variant Classification (06012015). Collection method: clinical testing. Allele origin: germline. Affected: yes.
Comment: This variant is considered likely benign or benign based on one or more of the following criteria: it is a conservative change, it occurs at a poorly conserved position in the protein, it is predicted to be benign by multiple in silico algorithms, and/or has population frequency not consistent with disease.